The following is an entry in ClinVar:

ClinVar aggregate classification (germline): Uncertain significance. Review status: criteria provided, multiple submitters, no conflicts (2 of 4 stars). 2 submissions from 2 submitters: Uncertain significance (2). Last evaluated 2023-06-07.

Allele frequency attached by ClinVar (database versions not stated): gnomAD exomes 0.00001 and 0.00002; ExAC 0.00003.
gnomAD v4.1: 5 of 1,605,362 alleles (0.00031%); highest among the groups gnomAD compares: East Asian, 0.0067%; no homozygotes.

Submissions (2):

Ambry Genetics
Classification: Uncertain significance. Last evaluated: 2023-06-07. Review status: criteria provided, single submitter. Criteria: Ambry Variant Classification Scheme 2023. Collection method: clinical testing. Allele origin: germline.

Labcorp Genetics (formerly Invitae), Labcorp
Classification: Uncertain significance. Last evaluated: 2021-11-04. Review status: criteria provided, single submitter. Criteria: Invitae Variant Classification Sherloc (09022015). Collection method: clinical testing. Allele origin: germline.
Comment: This sequence change replaces serine, which is neutral and polar, with proline, which is neutral and non-polar, at codon 505 of the C5 protein (p.Ser505Pro). This variant is present in population databases (rs773645787, gnomAD 0.02%). This variant has not been reported in the literature in individuals affected with C5-related conditions. Algorithms developed to predict the effect of missense changes on protein structure and function (SIFT, PolyPhen-2, Align-GVGD) all suggest that this variant is likely to be disruptive. In summary, the available evidence is currently insufficient to determine the role of this variant in disease. Therefore, it has been classified as a Variant of Uncertain Significance.

NM_001735.3(C5):c.1513T>C (p.Ser505Pro)

Gene: C5 (complement C5; minus strand). Cytogenetic location: 9q33.2.
Variant type: single nucleotide variant.
Coding change: c.1513T>C on transcript NM_001735.3 (MANE Select); coding-DNA position 1513, T replaced by C.
Protein change: p.Ser505Pro; replaces serine 505 with proline.
Molecular consequence: missense variant.
Genome position (GRCh38, 1-based): chr9:121,017,846, A>G on the plus strand (T>C on the coding strand, the complement: C5 is on the minus strand). VCF-style: chr9-121017846-A-G. GRCh37 (hg19) VCF-style: chr9-123780124-A-G.
Other names: c.1531T>C, p.Ser511Pro (NM_001317163.2); c.1513T>C, p.Ser505Pro (NM_001317164.2); c.1513T>C (NM_001735.2); short protein forms S505P, S511P.
Identifiers: ClinVar variation 1351745 (VCV001351745.5), dbSNP rs773645787, ClinGen allele CA5218045.